The following is an entry in ClinVar:

NM_001353345.2(SETD1B):c.5487C>T (p.Leu1829=)

Gene: SETD1B (SET domain containing 1B, histone lysine methyltransferase; plus strand). Cytogenetic location: 12q24.31.
Variant type: single nucleotide variant.
Coding change: c.5487C>T on transcript NM_001353345.2 (MANE Select); coding-DNA position 5487, C replaced by T.
Protein change: p.Leu1829=; no amino-acid change (leucine 1829 retained).
Molecular consequence: synonymous variant.
Genome position (GRCh38, 1-based): chr12:121,827,752, C>T. VCF-style: chr12-121827752-C-T. GRCh37 (hg19) VCF-style: chr12-122265658-C-T.
Identifiers: ClinVar variation 2643484 (VCV002643484.24), dbSNP rs754727911, ClinGen allele CA6839300.

ClinVar aggregate classification (germline): Likely benign (1 of 4 stars; one submission).

Allele frequency attached by ClinVar (database versions not stated): gnomAD 0.00004; gnomAD exomes 0.00004; TOPMed 0.00004; ExAC 0.00005.
gnomAD v4.1: 72 of 1,552,084 alleles (0.0046%); highest among the groups gnomAD compares: Admixed American, 0.012%; no homozygotes.

Submission:

CeGaT Center for Human Genetics Tuebingen
Classification: Likely benign. Last evaluated: 2025-06-01. Review status: criteria provided, single submitter. Criteria: CeGaT Center For Human Genetics Tuebingen Variant Classification Criteria Version 2. Collection method: clinical testing. Allele origin: germline. Affected: yes. Observed: 4 variant alleles.
Comment: SETD1B: BP4, BP7